The following is an entry in ClinVar:

ClinVar aggregate classification (germline): Uncertain significance. Review status: criteria provided, multiple submitters, no conflicts (2 of 4 stars). 3 submissions from 3 submitters: Uncertain significance (3). Last evaluated 2025-11-08.

Conditions:
Inborn genetic diseases. Identifiers: MedGen C0950123, MeSH D030342.
Fanconi anemia (FA). Also called: Fanconi's anemia. Identifiers: Orphanet 84, MedGen C0015625, MeSH D005199, MONDO:0019391.
Fanconi anemia complementation group L (FANCL). Also called: FANCL-Related Fanconi Anemia. Identifiers: Orphanet 84, MedGen C3469528, MONDO:0013566, OMIM 614083.

Allele frequency attached by ClinVar (database versions not stated): gnomAD exomes below 0.00001.
gnomAD v4.1: 1 of 1,614,052 alleles (0.000062%); highest among the groups gnomAD compares: Non-Finnish European, 0.000085%; no homozygotes.

Submissions (3):

Ambry Genetics
Classification: Uncertain significance for Inborn genetic diseases. Last evaluated: 2025-11-08. Review status: criteria provided, single submitter. Criteria: Ambry Variant Classification Scheme 2023. Collection method: clinical testing. Allele origin: germline.

Fulgent Genetics
Classification: Uncertain significance for Fanconi anemia complementation group L. Last evaluated: 2024-04-22. Review status: criteria provided, single submitter. Criteria: ACMG Guidelines, 2015. Collection method: clinical testing. Allele origin: germline.

Labcorp Genetics (formerly Invitae), Labcorp
Classification: Uncertain significance for Fanconi anemia. Last evaluated: 2021-08-28. Review status: criteria provided, single submitter. Criteria: Invitae Variant Classification Sherloc (09022015). Collection method: clinical testing. Allele origin: germline.
Comment: This sequence change replaces isoleucine with valine at codon 186 of the FANCL protein (p.Ile186Val). The isoleucine residue is weakly conserved and there is a small physicochemical difference between isoleucine and valine. This variant is not present in population databases (ExAC no frequency). This variant has not been reported in the literature in individuals affected with FANCL-related conditions. Algorithms developed to predict the effect of missense changes on protein structure and function output the following: SIFT: "Tolerated"; PolyPhen-2: "Benign"; Align-GVGD: "Class C0". The valine amino acid residue is found in multiple mammalian species, which suggests that this missense change does not adversely affect protein function. In summary, the available evidence is currently insufficient to determine the role of this variant in disease. Therefore, it has been classified as a Variant of Uncertain Significance.

NM_018062.4(FANCL):c.556A>G (p.Ile186Val)

Gene: FANCL (FA complementation group L; minus strand). Cytogenetic location: 2p16.1.
Variant type: single nucleotide variant.
Coding change: c.556A>G on transcript NM_018062.4 (MANE Select); coding-DNA position 556, A replaced by G.
Protein change: p.Ile186Val; replaces isoleucine 186 with valine.
Molecular consequence: missense variant.
Genome position (GRCh38, 1-based): chr2:58,165,859, T>C on the plus strand (A>G on the coding strand, the complement: FANCL is on the minus strand). VCF-style: chr2-58165859-T-C. GRCh37 (hg19) VCF-style: chr2-58392994-T-C.
Other names: c.571A>G, p.Ile191Val (NM_001114636.2); c.601A>G, p.Ile201Val (NM_001374615.1); c.616A>G, p.Ile206Val (NM_001410792.1); short protein forms I186V, I201V, I191V, I206V.
Identifiers: ClinVar variation 1038531 (VCV001038531.8), dbSNP rs1685886480, ClinGen allele CA346938084.
Genomic context (GRCh38, chr2:58,165,859, plus strand): 5'-CATCCATAACATCCCAGAATGCCTTTAGTGATTCTATTGCTGCCAAAAACTGACTATAAA[T>C]GCTTATTAAGGAGCTCTGTGAAAAAAATGAAAGTTGAATAAGTTATATGGTACTCTACCA-3'
Protein context (NP_060532.2, residues 176-196): SWTPQSSLIS[Ile186Val]YSQFLAAIES